The following is an entry in ClinVar:

NM_001204375.2(NPR3):c.1271T>C (p.Val424Ala)

Gene: NPR3 (natriuretic peptide receptor 3; plus strand). Cytogenetic location: 5p13.3.
Variant type: single nucleotide variant.
Coding change: c.1271T>C on transcript NM_001204375.2 (MANE Select); coding-DNA position 1271, T replaced by C.
Protein change: p.Val424Ala; replaces valine 424 with alanine.
Molecular consequence: missense variant.
Genome position (GRCh38, 1-based): chr5:32,780,797, T>C. VCF-style: chr5-32780797-T-C. GRCh37 (hg19) VCF-style: chr5-32780903-T-C.
Other names: c.1271T>C, p.Val424Ala (NM_000908.4); c.623T>C, p.Val208Ala (NM_001204376.2, NM_001363652.2); c.551T>C, p.Val184Ala (NM_001364458.2); c.500T>C, p.Val167Ala (NM_001364460.2); short protein forms V424A, V208A, V167A, V184A.
Identifiers: ClinVar variation 1386261 (VCV001386261.5), dbSNP rs552105484, ClinGen allele CA116857043.

ClinVar aggregate classification (germline): Uncertain significance (1 of 4 stars; one submission).

Allele frequency attached by ClinVar (database versions not stated): gnomAD exomes below 0.00001; gnomAD 0.00001; TOPMed 0.00001.
gnomAD v4.1: 43 of 1,581,086 alleles (0.0027%); highest among the groups gnomAD compares: Non-Finnish European, 0.0037%; no homozygotes.

Submission:

Labcorp Genetics (formerly Invitae), Labcorp
Classification: Uncertain significance. Last evaluated: 2023-11-27. Review status: criteria provided, single submitter. Criteria: Invitae Variant Classification Sherloc (09022015). Collection method: clinical testing. Allele origin: germline.
Comment: This sequence change replaces valine, which is neutral and non-polar, with alanine, which is neutral and non-polar, at codon 424 of the NPR3 protein (p.Val424Ala). This variant is present in population databases (rs552105484, gnomAD 0.0009%). This variant has not been reported in the literature in individuals affected with NPR3-related conditions. ClinVar contains an entry for this variant (Variation ID: 1386261). Algorithms developed to predict the effect of missense changes on protein structure and function output the following: SIFT: "Not Available"; PolyPhen-2: "Benign"; Align-GVGD: "Not Available". The alanine amino acid residue is found in multiple mammalian species, which suggests that this missense change does not adversely affect protein function. In summary, the available evidence is currently insufficient to determine the role of this variant in disease. Therefore, it has been classified as a Variant of Uncertain Significance.